The following is an entry in ClinVar:

NM_004663.5(RAB11A):c.104A>G (p.Glu35Gly)

Gene: RAB11A (RAB11A, member RAS oncogene family; plus strand). Cytogenetic location: 15q22.31.
Variant type: single nucleotide variant.
Coding change: c.104A>G on transcript NM_004663.5 (MANE Select); coding-DNA position 104, A replaced by G.
Protein change: p.Glu35Gly; replaces glutamic acid 35 with glycine.
Molecular consequence: missense variant.
Genome position (GRCh38, 1-based): chr15:65,877,395, A>G. VCF-style: chr15-65877395-A-G. GRCh37 (hg19) VCF-style: chr15-66169733-A-G.
Other names: c.104A>G, p.Glu35Gly (NM_001206836.2); short protein forms E35G.
Identifiers: ClinVar variation 3729895 (VCV003729895.2).

ClinVar aggregate classification (germline): Uncertain significance (1 of 4 stars; one submission).

Submission:

Labcorp Genetics (formerly Invitae), Labcorp
Classification: Uncertain significance. Last evaluated: 2025-02-02. Review status: criteria provided, single submitter. Criteria: Invitae Variant Classification Sherloc (09022015). Collection method: clinical testing. Allele origin: germline.
Comment: This sequence change replaces glutamic acid, which is acidic and polar, with glycine, which is neutral and non-polar, at codon 35 of the RAB11A protein (p.Glu35Gly). This variant is not present in population databases (gnomAD no frequency). This variant has not been reported in the literature in individuals affected with RAB11A-related conditions. An algorithm developed to predict the effect of missense changes on protein structure and function (PolyPhen-2) suggests that this variant is likely to be disruptive. In summary, the available evidence is currently insufficient to determine the role of this variant in disease. Therefore, it has been classified as a Variant of Uncertain Significance.